The following is an entry in ClinVar:

ClinVar aggregate classification (germline): Uncertain significance (1 of 4 stars; one submission).

Conditions:
Pyogenic arthritis-pyoderma gangrenosum-acne syndrome (PAPA). Also called: PAPA SYNDROME; FAMILIAL RECURRENT ARTHRITIS. Identifiers: Orphanet 69126, MedGen C1858361, MONDO:0011462, OMIM 604416.

Submission:

Labcorp Genetics (formerly Invitae), Labcorp
Classification: Uncertain significance for Pyogenic arthritis-pyoderma gangrenosum-acne syndrome. Last evaluated: 2022-05-08. Review status: criteria provided, single submitter. Criteria: Invitae Variant Classification Sherloc (09022015). Collection method: clinical testing. Allele origin: germline.
Comment: This sequence change replaces glutamine, which is neutral and polar, with arginine, which is basic and polar, at codon 6 of the PSTPIP1 protein (p.Gln6Arg). This variant is not present in population databases (gnomAD no frequency). In summary, the available evidence is currently insufficient to determine the role of this variant in disease. Therefore, it has been classified as a Variant of Uncertain Significance. Algorithms developed to predict the effect of missense changes on protein structure and function (SIFT, PolyPhen-2, Align-GVGD) all suggest that this variant is likely to be tolerated. This variant has not been reported in the literature in individuals affected with PSTPIP1-related conditions.

NM_003978.5(PSTPIP1):c.17A>G (p.Gln6Arg)

Gene: PSTPIP1 (proline-serine-threonine phosphatase interacting protein 1; plus strand). Cytogenetic location: 15q24.3.
Variant type: single nucleotide variant.
Coding change: c.17A>G on transcript NM_003978.5 (MANE Select); coding-DNA position 17, A replaced by G.
Protein change: p.Gln6Arg; replaces glutamine 6 with arginine.
Molecular consequence: missense variant. On other transcripts: 5 prime UTR variant (1), non-coding transcript variant (1).
Genome position (GRCh38, 1-based): chr15:76,995,590, A>G. VCF-style: chr15-76995590-A-G. GRCh37 (hg19) VCF-style: chr15-77287931-A-G.
Other names: c.17A>G, p.Gln6Arg (NM_001321135.2, NM_001411086.1); c.-230A>G (NM_001321136.2); c.212A>G, p.Gln71Arg (NM_001321137.1); short protein forms Q6R, Q71R.
Identifiers: ClinVar variation 2135679 (VCV002135679.4), dbSNP rs2075560082, ClinGen allele CA393516141.